The following is an entry in ClinVar:

NM_000146.4(FTL):c.17G>A (p.Arg6His)

Gene: FTL (ferritin light chain; plus strand). Cytogenetic location: 19q13.33.
Variant type: single nucleotide variant.
Coding change: c.17G>A on transcript NM_000146.4 (MANE Select); coding-DNA position 17, G replaced by A.
Protein change: p.Arg6His; replaces arginine 6 with histidine.
Molecular consequence: missense variant.
Genome position (GRCh38, 1-based): chr19:48,965,524, G>A. VCF-style: chr19-48965524-G-A. GRCh37 (hg19) VCF-style: chr19-49468781-G-A.
Other names: short protein forms R6H.
Identifiers: ClinVar variation 1348591 (VCV001348591.8), dbSNP rs1012743580, ClinGen allele CA309375214.

ClinVar aggregate classification (germline): Uncertain significance (1 of 4 stars; one submission).

Conditions:
Neuroferritinopathy (NBIA3). Also called: NEURODEGENERATION WITH BRAIN IRON ACCUMULATION 3; BASAL GANGLIA DISEASE, ADULT-ONSET. Identifiers: Orphanet 157846, MedGen C1853578, MONDO:0011638, OMIM 606159.
Hereditary hyperferritinemia with congenital cataracts. Also called: Hereditary hyperferritinemia cataract syndrome; Bonneau-Beaumont syndrome; HYPERFERRITINEMIA WITH OR WITHOUT CATARACT. Identifiers: Orphanet 163, MedGen C1833213, MONDO:0010952, OMIM 600886.

Allele frequency attached by ClinVar (database versions not stated): gnomAD exomes below 0.00001; gnomAD 0.00001; TOPMed 0.00001.

Submission:

Labcorp Genetics (formerly Invitae), Labcorp
Classification: Uncertain significance for Neuroferritinopathy; Hereditary hyperferritinemia with congenital cataracts. Last evaluated: 2021-05-14. Review status: criteria provided, single submitter. Criteria: Invitae Variant Classification Sherloc (09022015). Collection method: clinical testing. Allele origin: germline.
Comment: In summary, the available evidence is currently insufficient to determine the role of this variant in disease. Therefore, it has been classified as a Variant of Uncertain Significance. Algorithms developed to predict the effect of missense changes on protein structure and function (SIFT, PolyPhen-2, Align-GVGD) all suggest that this variant is likely to be tolerated, but these predictions have not been confirmed by published functional studies and their clinical significance is uncertain. This variant has not been reported in the literature in individuals with FTL-related conditions. This variant is not present in population databases (ExAC no frequency). This sequence change replaces arginine with histidine at codon 6 of the FTL protein (p.Arg6His). The arginine residue is weakly conserved and there is a small physicochemical difference between arginine and histidine.